The following is an entry in ClinVar:

NM_000138.5(FBN1):c.7204+1G>A

Gene: FBN1 (fibrillin 1; minus strand). Cytogenetic location: 15q21.1.
Variant type: single nucleotide variant.
Coding change: c.7204+1G>A on transcript NM_000138.5 (MANE Select); the canonical splice donor site of the intron after coding-DNA position 7204, G replaced by A.
Molecular consequence: splice donor variant.
Genome position (GRCh38, 1-based): chr15:48,427,566, C>T on the plus strand (G>A on the coding strand, the complement: FBN1 is on the minus strand). VCF-style: chr15-48427566-C-T. GRCh37 (hg19) VCF-style: chr15-48719763-C-T.
Other names: c.7204+1G>A (NM_001406716.1).
Identifiers: ClinVar variation 567869 (VCV000567869.10), dbSNP rs1555394557, ClinGen allele CA392329019.
Genomic context (GRCh38, chr15:48,427,566, plus strand): 5'-TTCACACAAAAAACAAATAAATAGATTCCCTGCAAGTATTTTTGGACTATAAATGAAGTA[C>T]CTGCTCCATTGGTCATGAATCCTCGGCCATGGGGACAGAGTTTCTTGAAAGCCACAGTCC-3'

ClinVar aggregate classification (germline): Pathogenic/Likely pathogenic. Review status: criteria provided, multiple submitters, no conflicts (2 of 4 stars). 3 submissions from 3 submitters: Pathogenic (2); Likely pathogenic (1). Last evaluated 2025-11-30.

Conditions:
Familial thoracic aortic aneurysm and aortic dissection (TAAD). Also called: Thoracic aortic aneurysms and dissections. Identifiers: Orphanet 91387, MedGen C4707243, MONDO:0019625.
Marfan syndrome (MFS). Also called: FBN1-Related Marfan Syndrome; Marfan syndrome type 1; Marfan's syndrome; Marfan syndrome, classic; MARFAN SYNDROME, TYPE I. Identifiers: Orphanet 284963, Orphanet 558, MedGen C0024796, MONDO:0007947, OMIM 154700.

Submissions (3):

Labcorp Genetics (formerly Invitae), Labcorp
Classification: Pathogenic for Marfan syndrome; Familial thoracic aortic aneurysm and aortic dissection. Last evaluated: 2025-11-30. Review status: criteria provided, single submitter. Criteria: Invitae Variant Classification Sherloc (09022015). Collection method: clinical testing. Allele origin: germline.
Comment: This sequence change affects a donor splice site in intron 58 of the FBN1 gene. RNA analysis indicates that disruption of this splice site induces altered splicing and likely results in a shortened protein product. This variant is not present in population databases (gnomAD no frequency). Disruption of this splice site has been observed in individual(s) with Marfan syndrome (PMID: 29357934, 30101859). In at least one individual the variant was observed to be de novo. ClinVar contains an entry for this variant (Variation ID: 567869). Studies have shown that disruption of this splice site results in skipping of exon 58, but is expected to preserve the integrity of the reading-frame (PMID: 30101859). For these reasons, this variant has been classified as Pathogenic.

Human Genetics Bochum, Ruhr University Bochum
Classification: Likely pathogenic for Marfan syndrome. Last evaluated: 2022-09-14. Review status: criteria provided, single submitter. Criteria: ACMG Guidelines, 2015. Collection method: clinical testing. Allele origin: germline. Affected: yes.
Comment: ACMG criteria used to clasify this variant: PVS1, PM2, PS4, PP3

3billion
Classification: Pathogenic for Marfan syndrome. Last evaluated: 2022-05-22. Review status: criteria provided, single submitter. Criteria: ACMG Guidelines, 2015. Collection method: clinical testing. Allele origin: germline. Affected: yes. Observed: 1 heterozygote.
Comment: The variant is not observed in the gnomAD v2.1.1 dataset. Canonical splice site: predicted to alter splicing and result in a loss or disruption of normal protein function. Multiple pathogenic loss-of-function variants are reported downstream of the variant. The variant has been reported to be associated with FBN1 related disorder (ClinVar ID: VCV000567869). Therefore, this variant is classified as pathogenic according to the recommendation of ACMG/AMP guideline.

Literature cited by the submitters: PubMed 29357934 (cited by Labcorp Genetics (formerly Invitae), Labcorp); PubMed 30101859 (cited by Labcorp Genetics (formerly Invitae), Labcorp).